The following is an entry in ClinVar:

ClinVar aggregate classification (germline): Uncertain significance (1 of 4 stars; one submission).

Submission:

Labcorp Genetics (formerly Invitae), Labcorp
Classification: Uncertain significance. Last evaluated: 2022-02-09. Review status: criteria provided, single submitter. Criteria: Invitae Variant Classification Sherloc (09022015). Collection method: clinical testing. Allele origin: germline.
Comment: This variant is not present in population databases (gnomAD no frequency). This variant has not been reported in the literature in individuals affected with IMPG2-related conditions. Variants that disrupt the consensus splice site are a relatively common cause of aberrant splicing (PMID: 17576681, 9536098). Algorithms developed to predict the effect of sequence changes on RNA splicing suggest that this variant may disrupt the consensus splice site. In summary, the available evidence is currently insufficient to determine the role of this variant in disease. Therefore, it has been classified as a Variant of Uncertain Significance. This sequence change falls in intron 6 of the IMPG2 gene. It does not directly change the encoded amino acid sequence of the IMPG2 protein. It affects a nucleotide within the consensus splice site.

Literature cited by the submitters: PubMed 17576681; PubMed 9536098.

NM_016247.4(IMPG2):c.666+4A>T

Gene: IMPG2 (interphotoreceptor matrix proteoglycan 2; minus strand). Cytogenetic location: 3q12.3.
Variant type: single nucleotide variant.
Coding change: c.666+4A>T on transcript NM_016247.4 (MANE Select); 4 bases into the intron after coding-DNA position 666, A replaced by T.
Molecular consequence: intron variant.
Genome position (GRCh38, 1-based): chr3:101,275,659, T>A on the plus strand (A>T on the coding strand, the complement: IMPG2 is on the minus strand). VCF-style: chr3-101275659-T-A. GRCh37 (hg19) VCF-style: chr3-100994503-T-A.
Identifiers: ClinVar variation 1483437 (VCV001483437.6), dbSNP rs2107252899, ClinGen allele CA2573136392.